The following is an entry in ClinVar:

NM_006012.4(CLPP):c.617A>G (p.Tyr206Cys)

Gene: CLPP (caseinolytic mitochondrial matrix peptidase proteolytic subunit; plus strand). Cytogenetic location: 19p13.3.
Variant type: single nucleotide variant.
Coding change: c.617A>G on transcript NM_006012.4 (MANE Select); coding-DNA position 617, A replaced by G.
Protein change: p.Tyr206Cys; replaces tyrosine 206 with cysteine.
Molecular consequence: missense variant.
Genome position (GRCh38, 1-based): chr19:6,366,319, A>G. VCF-style: chr19-6366319-A-G. GRCh37 (hg19) VCF-style: chr19-6366330-A-G.
Other names: short protein forms Y206C.
Identifiers: ClinVar variation 1981545 (VCV001981545.1), dbSNP rs757787039, ClinGen allele CA9122970.
Genomic context (GRCh38, chr19:6,366,319, plus strand): 5'-GCCAAGCCACAGACATTGCCATCCAGGCAGAGGAGATCATGAAGCTCAAGAAGCAGCTCT[A>G]TAACATCTACGCCAAGCACACCAAACAGAGCCTGCAGGTGATCGGTAAGCACCCTCCTTT-3'
Protein context (NP_006003.1, residues 196-216): EEIMKLKKQL[Tyr206Cys]NIYAKHTKQS

ClinVar aggregate classification (germline): Uncertain significance (1 of 4 stars; one submission).

Allele frequency attached by ClinVar (database versions not stated): ExAC 0.00001; gnomAD exomes 0.00001; TOPMed 0.00002; gnomAD 0.00003.
gnomAD v4.1: 26 of 1,612,752 alleles (0.0016%); highest among the groups gnomAD compares: Admixed American, 0.005%; no homozygotes.

Submission:

Labcorp Genetics (formerly Invitae), Labcorp
Classification: Uncertain significance. Last evaluated: 2022-03-04. Review status: criteria provided, single submitter. Criteria: Invitae Variant Classification Sherloc (09022015). Collection method: clinical testing. Allele origin: germline.
Comment: This sequence change replaces tyrosine, which is neutral and polar, with cysteine, which is neutral and slightly polar, at codon 206 of the CLPP protein (p.Tyr206Cys). This variant is present in population databases (rs757787039, gnomAD 0.006%). This variant has not been reported in the literature in individuals affected with CLPP-related conditions. Algorithms developed to predict the effect of missense changes on protein structure and function (SIFT, PolyPhen-2, Align-GVGD) all suggest that this variant is likely to be tolerated. In summary, the available evidence is currently insufficient to determine the role of this variant in disease. Therefore, it has been classified as a Variant of Uncertain Significance.